The following is an entry in ClinVar:

NM_017617.5(NOTCH1):c.4988G>T (p.Arg1663Leu)

Gene: NOTCH1 (notch receptor 1; minus strand). Cytogenetic location: 9q34.3.
Variant type: single nucleotide variant.
Coding change: c.4988G>T on transcript NM_017617.5 (MANE Select); coding-DNA position 4988, G replaced by T.
Protein change: p.Arg1663Leu; replaces arginine 1663 with leucine.
Molecular consequence: missense variant.
Genome position (GRCh38, 1-based): chr9:136,504,703, C>A on the plus strand (G>T on the coding strand, the complement: NOTCH1 is on the minus strand). VCF-style: chr9-136504703-C-A. GRCh37 (hg19) VCF-style: chr9-139399155-C-A.
Other names: short protein forms R1663L.
Identifiers: ClinVar variation 2012405 (VCV002012405.4), dbSNP rs749490844, ClinGen allele CA375644105.

ClinVar aggregate classification (germline): Uncertain significance (1 of 4 stars; one submission).

Conditions:
Adams-Oliver syndrome 5 (AOS5). Identifiers: Orphanet 974, MedGen C4014970, MONDO:0014459, OMIM 616028.

gnomAD v4.1: 3 of 1,534,692 alleles (0.0002%); highest among the groups gnomAD compares: Non-Finnish European, 0.00026%; no homozygotes.

Submission:

Labcorp Genetics (formerly Invitae), Labcorp
Classification: Uncertain significance for Adams-Oliver syndrome 5. Last evaluated: 2023-06-10. Review status: criteria provided, single submitter. Criteria: Invitae Variant Classification Sherloc (09022015). Collection method: clinical testing. Allele origin: germline.
Comment: In summary, the available evidence is currently insufficient to determine the role of this variant in disease. Therefore, it has been classified as a Variant of Uncertain Significance. Advanced modeling of protein sequence and biophysical properties (such as structural, functional, and spatial information, amino acid conservation, physicochemical variation, residue mobility, and thermodynamic stability) performed at Invitae indicates that this missense variant is not expected to disrupt NOTCH1 protein function. ClinVar contains an entry for this variant (Variation ID: 2012405). This variant has not been reported in the literature in individuals affected with NOTCH1-related conditions. This variant is not present in population databases (gnomAD no frequency). This sequence change replaces arginine, which is basic and polar, with leucine, which is neutral and non-polar, at codon 1663 of the NOTCH1 protein (p.Arg1663Leu).